The following is an entry in ClinVar:

ClinVar aggregate classification (germline): Uncertain significance (1 of 4 stars; one submission).

Allele frequency attached by ClinVar (database versions not stated): gnomAD 0.00001; gnomAD exomes 0.00001; TOPMed 0.00001.
gnomAD v4.1: 13 of 1,608,878 alleles (0.00081%); highest among the groups gnomAD compares: Non-Finnish European, 0.0011%; no homozygotes.

Submission:

Labcorp Genetics (formerly Invitae), Labcorp
Classification: Uncertain significance. Last evaluated: 2021-11-03. Review status: criteria provided, single submitter. Criteria: Invitae Variant Classification Sherloc (09022015). Collection method: clinical testing. Allele origin: germline.
Comment: Algorithms developed to predict the effect of missense changes on protein structure and function are either unavailable or do not agree on the potential impact of this missense change (SIFT: "Tolerated"; PolyPhen-2: "Possibly Damaging"; Align-GVGD: "Class C0"). In summary, the available evidence is currently insufficient to determine the role of this variant in disease. Therefore, it has been classified as a Variant of Uncertain Significance. This variant has not been reported in the literature in individuals affected with HMCN1-related conditions. This variant is not present in population databases (gnomAD no frequency). This sequence change replaces leucine, which is neutral and non-polar, with valine, which is neutral and non-polar, at codon 403 of the HMCN1 protein (p.Leu403Val).

NM_031935.3(HMCN1):c.1207C>G (p.Leu403Val)

Gene: HMCN1 (hemicentin 1; plus strand). Cytogenetic location: 1q31.1.
Variant type: single nucleotide variant.
Coding change: c.1207C>G on transcript NM_031935.3 (MANE Select); coding-DNA position 1207, C replaced by G.
Protein change: p.Leu403Val; replaces leucine 403 with valine.
Molecular consequence: missense variant.
Genome position (GRCh38, 1-based): chr1:185,923,575, C>G. VCF-style: chr1-185923575-C-G. GRCh37 (hg19) VCF-style: chr1-185892707-C-G.
Other names: short protein forms L403V.
Identifiers: ClinVar variation 1366129 (VCV001366129.6), dbSNP rs781359511, ClinGen allele CA343894033.